The following is an entry in ClinVar:

NM_005633.4(SOS1):c.1770G>C (p.Glu590Asp)

Gene: SOS1 (SOS Ras/Rac guanine nucleotide exchange factor 1; minus strand). Cytogenetic location: 2p22.1.
Variant type: single nucleotide variant.
Coding change: c.1770G>C on transcript NM_005633.4 (MANE Select); coding-DNA position 1770, G replaced by C.
Protein change: p.Glu590Asp; replaces glutamic acid 590 with aspartic acid.
Molecular consequence: missense variant.
Genome position (GRCh38, 1-based): chr2:39,022,658, C>G on the plus strand (G>C on the coding strand, the complement: SOS1 is on the minus strand). VCF-style: chr2-39022658-C-G. GRCh37 (hg19) VCF-style: chr2-39249799-C-G.
Other names: c.1749G>C, p.Glu583Asp (NM_001382394.1); c.1770G>C, p.Glu590Asp (NM_001382395.1); short protein forms E583D, E590D.
Identifiers: ClinVar variation 1695867 (VCV001695867.9), dbSNP rs553331572, ClinGen allele CA346365422.

ClinVar aggregate classification (germline): Conflicting classifications of pathogenicity. Review status: criteria provided, conflicting classifications (1 of 4 stars). 4 submissions from 4 submitters: Uncertain significance (3); Likely benign (1). Last evaluated 2025-01-06.

Conditions:
Cardiovascular phenotype. Identifiers: MedGen CN230736.
RASopathy. Also called: rasopathies; Noonan spectrum disorder. Identifiers: Orphanet 536391, MedGen C5555857, MONDO:0021060.
Noonan syndrome 4 (NS4). Also called: SOS1-Related Noonan Syndrome; NOONAN SYNDROME WITH PIGMENTED VILLONODULAR SYNOVITIS. Identifiers: Orphanet 648, MedGen C1853120, MONDO:0012547, OMIM 610733.
Fibromatosis, gingival, 1 (GINGF1). Identifiers: Orphanet 2024, MedGen C4551558, MONDO:0007609, OMIM 135300.

gnomAD v4.1: 5 of 1,613,156 alleles (0.00031%); highest among the groups gnomAD compares: East Asian, 0.0045%; no homozygotes.

Submissions (4):

Ambry Genetics
Classification: Uncertain significance for Cardiovascular phenotype. Last evaluated: 2025-01-06. Review status: criteria provided, single submitter. Criteria: Ambry Variant Classification Scheme 2023. Collection method: clinical testing. Allele origin: germline.
Comment: The p.E590D variant (also known as c.1770G>C), located in coding exon 10 of the SOS1 gene, results from a G to C substitution at nucleotide position 1770. The glutamic acid at codon 590 is replaced by aspartic acid, an amino acid with highly similar properties. This amino acid position is conserved. In addition, this alteration is predicted to be tolerated by in silico analysis. Based on the available evidence, the clinical significance of this variant remains unclear.

Labcorp Genetics (formerly Invitae), Labcorp
Classification: Likely benign for RASopathy. Last evaluated: 2023-01-02. Review status: criteria provided, single submitter. Criteria: Invitae Variant Classification Sherloc (09022015). Collection method: clinical testing. Allele origin: germline.

GeneDx
Classification: Uncertain significance. Last evaluated: 2022-01-10. Review status: criteria provided, single submitter. Criteria: GeneDx Variant Classification Process June 2021. Collection method: clinical testing. Allele origin: germline. Affected: yes.
Comment: Missense variants in this gene are often considered pathogenic (HGMD); In silico analysis supports that this missense variant does not alter protein structure/function; Has not been previously published as pathogenic or benign to our knowledge; This variant is associated with the following publications: (PMID: 29493581)

Fulgent Genetics
Classification: Uncertain significance for Fibromatosis, gingival, 1; Noonan syndrome 4. Last evaluated: 2021-07-23. Review status: criteria provided, single submitter. Criteria: ACMG Guidelines, 2015. Collection method: clinical testing. Allele origin: unknown.